The following is an entry in ClinVar:

ClinVar aggregate classification (germline): Uncertain significance. Review status: criteria provided, multiple submitters, no conflicts (2 of 4 stars). 2 submissions from 2 submitters: Uncertain significance (2). Last evaluated 2023-02-17.

Conditions:
Cardiovascular phenotype. Identifiers: MedGen CN230736.
Cardiomyopathy (CMYO). Also called: Cardiomyopathies. Identifiers: Orphanet 167848, MedGen C0878544, MONDO:0004994, HP:0001638. Inheritance: Various modes of inheritance.

Allele frequency attached by ClinVar (database versions not stated): gnomAD exomes below 0.00001.
gnomAD v4.1: 1 of 1,612,982 alleles (0.000062%); highest among the groups gnomAD compares: African/African-American, 0.0013%; no homozygotes.

Submissions (2):

Ambry Genetics
Classification: Uncertain significance for Cardiovascular phenotype. Last evaluated: 2023-02-17. Review status: criteria provided, single submitter. Criteria: Ambry Variant Classification Scheme 2023. Collection method: clinical testing. Allele origin: germline.
Comment: The p.K380N variant (also known as c.1140G>T), located in coding exon 13 of the MYBPC3 gene, results from a G to T substitution at nucleotide position 1140. The lysine at codon 380 is replaced by asparagine, an amino acid with similar properties. This amino acid position is conserved. In addition, this alteration is predicted to be tolerated by in silico analysis. Since supporting evidence is limited at this time, the clinical significance of this alteration remains unclear.

CHEO Genetics Diagnostic Laboratory, Children's Hospital of Eastern Ontario
Classification: Uncertain significance for Cardiomyopathy. Last evaluated: 2018-05-30. Review status: criteria provided, single submitter. Criteria: ACMG Guidelines, 2015. Collection method: clinical testing. Allele origin: germline.

NM_000256.3(MYBPC3):c.1140G>T (p.Lys380Asn)

Gene: MYBPC3 (myosin binding protein C3; minus strand). Cytogenetic location: 11p11.2.
Variant type: single nucleotide variant.
Coding change: c.1140G>T on transcript NM_000256.3 (MANE Select); coding-DNA position 1140, G replaced by T.
Protein change: p.Lys380Asn; replaces lysine 380 with asparagine.
Molecular consequence: missense variant.
Genome position (GRCh38, 1-based): chr11:47,343,575, C>A on the plus strand (G>T on the coding strand, the complement: MYBPC3 is on the minus strand). VCF-style: chr11-47343575-C-A. GRCh37 (hg19) VCF-style: chr11-47365126-C-A.
Other names: short protein forms K380N.
Identifiers: ClinVar variation 915782 (VCV000915782.4), dbSNP rs2095891372, ClinGen allele CA380329071.